The following is an entry in ClinVar:

ClinVar aggregate classification (germline): Likely pathogenic (1 of 4 stars; one submission).

Conditions:
RYR1-related disorder. Also called: RYR1-related condition; RYR1-related disorders. Identifiers: MedGen CN239331.

Submission:

Labcorp Genetics (formerly Invitae), Labcorp
Classification: Likely pathogenic for RYR1-related disorder. Last evaluated: 2023-09-08. Review status: criteria provided, single submitter. Criteria: Invitae Variant Classification Sherloc (09022015). Collection method: clinical testing. Allele origin: germline.
Comment: This sequence change affects an acceptor splice site in intron 15 of the RYR1 gene. It is expected to disrupt RNA splicing. Variants that disrupt the donor or acceptor splice site typically lead to a loss of protein function (PMID: 16199547), and loss-of-function variants in RYR1 are known to be pathogenic (PMID: 23919265, 25960145, 28818389, 30611313). This variant is not present in population databases (gnomAD no frequency). This variant has not been reported in the literature in individuals affected with RYR1-related conditions. Algorithms developed to predict the effect of sequence changes on RNA splicing suggest that this variant may disrupt the consensus splice site. In summary, the currently available evidence indicates that the variant is pathogenic, but additional data are needed to prove that conclusively. Therefore, this variant has been classified as Likely Pathogenic.

Literature cited by the submitters: PubMed 16199547; PubMed 23919265; PubMed 25960145; PubMed 28818389; PubMed 30611313.

NM_000540.3(RYR1):c.1673-1G>A

Gene: RYR1 (ryanodine receptor 1; plus strand). Cytogenetic location: 19q13.2.
Variant type: single nucleotide variant.
Coding change: c.1673-1G>A on transcript NM_000540.3 (MANE Select); the canonical splice acceptor site of the intron before coding-DNA position 1673, G replaced by A.
Molecular consequence: splice acceptor variant.
Genome position (GRCh38, 1-based): chr19:38,455,632, G>A. VCF-style: chr19-38455632-G-A. GRCh37 (hg19) VCF-style: chr19-38946272-G-A.
Other names: c.1673-1G>A (NM_001042723.2).
Identifiers: ClinVar variation 2758833 (VCV002758833.3), dbSNP rs1967335085, ClinGen allele CA405690758.